The following is an entry in ClinVar:

NM_199420.4(POLQ):c.794G>A (p.Ser265Asn)

Gene: POLQ (DNA polymerase theta; minus strand). Cytogenetic location: 3q13.33.
Variant type: single nucleotide variant.
Coding change: c.794G>A on transcript NM_199420.4 (MANE Select); coding-DNA position 794, G replaced by A.
Protein change: p.Ser265Asn; replaces serine 265 with asparagine.
Molecular consequence: missense variant.
Genome position (GRCh38, 1-based): chr3:121,533,156, C>T on the plus strand (G>A on the coding strand, the complement: POLQ is on the minus strand). VCF-style: chr3-121533156-C-T. GRCh37 (hg19) VCF-style: chr3-121252003-C-T.
Other names: short protein forms S265N.
Identifiers: ClinVar variation 3230176 (VCV003230176.1), dbSNP rs2546819747, ClinGen allele CA354126637.

ClinVar aggregate classification (germline): Uncertain significance (1 of 4 stars; one submission).

Submission:

Ambry Genetics
Classification: Uncertain significance. Last evaluated: 2024-02-27. Review status: criteria provided, single submitter. Criteria: Ambry Variant Classification Scheme 2023. Collection method: clinical testing. Allele origin: germline.
Comment: The p.S265N variant (also known as c.794G>A), located in coding exon 6 of the POLQ gene, results from a G to A substitution at nucleotide position 794. The serine at codon 265 is replaced by asparagine, an amino acid with highly similar properties. This amino acid position is conserved. In addition, the in silico prediction for this alteration is inconclusive. Based on the available evidence, the clinical significance of this alteration remains unclear.